The following is an entry in ClinVar:

ClinVar aggregate classification (germline): Uncertain significance (1 of 4 stars; one submission).

Conditions:
Peutz-Jeghers syndrome (PJS). Also called: POLYPOSIS, HAMARTOMATOUS INTESTINAL; POLYPS-AND-SPOTS SYNDROME; Peutz-Jeghers polyposis; Periorificial lentiginosis syndrome. Identifiers: Orphanet 2869, MedGen C0031269, MeSH D010580, MONDO:0008280, OMIM 175200.

Submission:

Labcorp Genetics (formerly Invitae), Labcorp
Classification: Uncertain significance for Peutz-Jeghers syndrome. Last evaluated: 2025-10-19. Review status: criteria provided, single submitter. Criteria: Invitae Variant Classification Sherloc (09022015). Collection method: clinical testing. Allele origin: germline.
Comment: This sequence change replaces histidine, which is basic and polar, with aspartic acid, which is acidic and polar, at codon 202 of the STK11 protein (p.His202Asp). This variant is not present in population databases (gnomAD no frequency). This variant has not been reported in the literature in individuals affected with STK11-related conditions. Invitae Evidence Modeling of protein sequence and biophysical properties (such as structural, functional, and spatial information, amino acid conservation, physicochemical variation, residue mobility, and thermodynamic stability) indicates that this missense variant is not expected to disrupt STK11 protein function with a negative predictive value of 95%. In summary, the available evidence is currently insufficient to determine the role of this variant in disease. Therefore, it has been classified as a Variant of Uncertain Significance.

NM_000455.5(STK11):c.604C>G (p.His202Asp)

Gene: STK11 (serine/threonine kinase 11; plus strand). Cytogenetic location: 19p13.3.
Variant type: single nucleotide variant.
Coding change: c.604C>G on transcript NM_000455.5 (MANE Select); coding-DNA position 604, C replaced by G.
Protein change: p.His202Asp; replaces histidine 202 with aspartic acid.
Molecular consequence: missense variant. On other transcripts: non-coding transcript variant (1).
Genome position (GRCh38, 1-based): chr19:1,220,587, C>G. VCF-style: chr19-1220587-C-G. GRCh37 (hg19) VCF-style: chr19-1220586-C-G.
Other names: c.604C>G, p.His202Asp (NM_001407255.1); short protein forms H202D.
Identifiers: ClinVar variation 4747131 (VCV004747131.1).
Genomic context (GRCh38, chr19:1,220,587, plus strand): 5'-CCCTGGGGCGCCCCCTCCCGGGCACTCCCTGAGGGCTGCACGGCACCGCCACAGGCACTG[C>G]ACCCGTTCGCGGCGGACGACACCTGCCGGACCAGCCAGGGCTCCCCGGCTTTCCAGCCGC-3'
Protein context (NP_000446.1, residues 192-212): ISDLGVAEAL[His202Asp]PFAADDTCRT